The following is an entry in ClinVar:

NM_015512.5(DNAH1):c.5573T>C (p.Leu1858Pro)

Gene: DNAH1 (dynein axonemal heavy chain 1; plus strand). Cytogenetic location: 3p21.1.
Variant type: single nucleotide variant.
Coding change: c.5573T>C on transcript NM_015512.5 (MANE Select); coding-DNA position 5573, T replaced by C.
Protein change: p.Leu1858Pro; replaces leucine 1858 with proline.
Molecular consequence: missense variant.
Genome position (GRCh38, 1-based): chr3:52,366,511, T>C. VCF-style: chr3-52366511-T-C. GRCh37 (hg19) VCF-style: chr3-52400527-T-C.
Other names: short protein forms L1858P.
Identifiers: ClinVar variation 3382953 (VCV003382953.2).

ClinVar aggregate classification (germline): Uncertain significance (1 of 4 stars; one submission).

Conditions:
Spermatogenic failure 18. Identifiers: MedGen C4539783, MONDO:0054615, OMIM 617576.
Ciliary dyskinesia, primary, 37 (CILD37). Also called: CILIARY DYSKINESIA, PRIMARY, 37, WITH OR WITHOUT SITUS INVERSUS. Identifiers: MedGen C4539798, MONDO:0033204, OMIM 617577.

Submission:

Juno Genomics, Hangzhou Juno Genomics, Inc
Classification: Uncertain significance for Ciliary dyskinesia, primary, 37; Spermatogenic failure 18. Review status: criteria provided, single submitter. Criteria: ACMG Guidelines, 2015. Collection method: clinical testing. Allele origin: germline. Affected: yes.
Comment: Absent from controls (or at extremely low frequency if recessive) in Genome Aggregation Database, Exome Sequencing Project, 1000 Genomes Project, or Exome Aggregation Consortium.;For recessive disorders, detected in trans with a pathogenic variant.;Patient's phenotype or family history is highly specific for a disease with a single genetic etiology.